The following is an entry in ClinVar:

ClinVar aggregate classification (germline): Uncertain significance (1 of 4 stars; one submission).

Conditions:
Hereditary cancer-predisposing syndrome. Also called: Neoplastic Syndromes, Hereditary; Tumor predisposition; Hereditary neoplastic syndrome; Hereditary Cancer Syndrome. Identifiers: Orphanet 140162, MedGen C0027672, MeSH D009386, MONDO:0015356.

Submission:

Ambry Genetics
Classification: Uncertain significance for Hereditary cancer-predisposing syndrome. Last evaluated: 2026-07-06. Review status: criteria provided, single submitter. Criteria: Ambry Variant Classification Scheme 2023. Collection method: clinical testing. Allele origin: germline.
Comment: The p.Q583R variant (also known as c.1748A>G), located in coding exon 16 of the NF2 gene, results from an A to G substitution at nucleotide position 1748. The glutamine at codon 583 is replaced by arginine, an amino acid with highly similar properties. This amino acid position is conserved. In addition, the in silico prediction for this alteration is inconclusive. Based on the available evidence, the clinical significance of this variant remains unclear.

NM_000268.4(NF2):c.1748A>G (p.Gln583Arg)

Gene: NF2 (NF2, moesin-ezrin-radixin like (MERLIN) tumor suppressor; plus strand). Cytogenetic location: 22q12.2.
Variant type: single nucleotide variant.
Coding change: c.1748A>G on transcript NM_000268.4 (MANE Select); coding-DNA position 1748, A replaced by G.
Protein change: p.Gln583Arg; replaces glutamine 583 with arginine.
Molecular consequence: missense variant. On other transcripts: 3 prime UTR variant (11), non-coding transcript variant (1).
Genome position (GRCh38, 1-based): chr22:29,694,762, A>G. VCF-style: chr22-29694762-A-G. GRCh37 (hg19) VCF-style: chr22-30090751-A-G.
Other names: c.1634A>G, p.Gln545Arg (NM_001407053.1); c.1625A>G, p.Gln542Arg (NM_001407054.1); c.1622A>G, p.Gln541Arg (NM_001407055.1); c.*20A>G (NM_001407056.1, NM_001407059.1, NM_001407065.1 and 5 more transcripts); c.1613A>G, p.Gln538Arg (NM_001407057.1); c.*35A>G (NM_001407058.1, NM_001407063.1, NM_181832.3); c.1585A>G, p.Arg529Gly (NM_001407060.1); c.1490A>G, p.Gln497Arg (NM_001407062.1); and 2 more; short protein forms R529G, Q497R, Q541R, Q545R, Q583R, Q153R, R446G, Q538R.
Identifiers: ClinVar variation 5025689 (VCV005025689.1).